The following is an entry in ClinVar:

NM_002693.3(POLG):c.1650G>A (p.Gln550=)

Gene: POLG (DNA polymerase gamma, catalytic subunit; minus strand). Cytogenetic location: 15q26.1.
Variant type: single nucleotide variant.
Coding change: c.1650G>A on transcript NM_002693.3 (MANE Select); coding-DNA position 1650, G replaced by A.
Protein change: p.Gln550=; no amino-acid change (glutamine 550 retained).
Molecular consequence: synonymous variant.
Genome position (GRCh38, 1-based): chr15:89,326,674, C>T on the plus strand (G>A on the coding strand, the complement: POLG is on the minus strand). VCF-style: chr15-89326674-C-T. GRCh37 (hg19) VCF-style: chr15-89869905-C-T.
Other names: c.1650G>A, p.Gln550= (NM_001126131.2).
Identifiers: ClinVar variation 2645690 (VCV002645690.24), dbSNP rs2509253123, ClinGen allele CA492077134.

ClinVar aggregate classification (germline): Likely benign (1 of 4 stars; one submission).

Submission:

CeGaT Center for Human Genetics Tuebingen
Classification: Likely benign. Last evaluated: 2023-03-01. Review status: criteria provided, single submitter. Criteria: CeGaT Center For Human Genetics Tuebingen Variant Classification Criteria Version 2. Collection method: clinical testing. Allele origin: germline. Affected: yes. Observed: 1 variant allele.
Comment: POLG: PM2:Supporting, BP4, BP7